The following is an entry in ClinVar:

ClinVar aggregate classification (germline): Conflicting classifications of pathogenicity. Review status: criteria provided, conflicting classifications (1 of 4 stars). 4 submissions from 4 submitters: Uncertain significance (1); Likely benign (3). Last evaluated 2025-10-14.

Conditions:
Inborn genetic diseases. Identifiers: MedGen C0950123, MeSH D030342.
Alpha-1-antitrypsin deficiency (A1ATD). Also called: AAT deficiency; A1AT deficiency; Alpha1-Antitrypsin Deficiency. Identifiers: Orphanet 60, MedGen C0221757, MONDO:0013282, OMIM 613490.

Allele frequency attached by ClinVar (database versions not stated): gnomAD exomes 0.00006 and 0.00015; ExAC 0.00012; ESP Exome Variant Server 0.00023; gnomAD 0.00054 and 0.00056; TOPMed 0.00086; 1000 Genomes Project 30x 0.00094; 1000 Genomes Project 0.00120.
gnomAD v4.1: 166 of 1,614,140 alleles (0.01%); highest among the groups gnomAD compares: African/African-American, 0.19%; no homozygotes.

Submissions (4):

Labcorp Genetics (formerly Invitae), Labcorp
Classification: Likely benign for Alpha-1-antitrypsin deficiency. Last evaluated: 2025-10-14. Review status: criteria provided, single submitter. Criteria: Invitae Variant Classification Sherloc (09022015). Collection method: clinical testing. Allele origin: germline.

Mayo Clinic Laboratories, Mayo Clinic
Classification: Likely benign. Last evaluated: 2025-10-07. Review status: criteria provided, single submitter. Criteria: ACMG Guidelines, 2015. Collection method: clinical testing. Allele origin: germline. Observed: 5 variant alleles.
Comment: BS1, BP4, BP7

Ambry Genetics
Classification: Likely benign for Inborn genetic diseases. Last evaluated: 2022-11-10. Review status: criteria provided, single submitter. Criteria: Ambry Variant Classification Scheme 2023. Collection method: clinical testing. Allele origin: germline.

Eurofins Ntd Llc (ga)
Classification: Uncertain significance. Last evaluated: 2018-05-31. Review status: criteria provided, single submitter. Criteria: EGL ClinVar v180209 classification definitions. Collection method: clinical testing. Allele origin: germline. Observed: 5 variant alleles, 5 heterozygotes.

NM_000295.5(SERPINA1):c.51C>T (p.Cys17=)

Gene: SERPINA1 (serpin family A member 1; minus strand). Cytogenetic location: 14q32.13.
Variant type: single nucleotide variant.
Coding change: c.51C>T on transcript NM_000295.5 (MANE Select); coding-DNA position 51, C replaced by T.
Protein change: p.Cys17=; no amino-acid change (cysteine 17 retained).
Molecular consequence: synonymous variant.
Genome position (GRCh38, 1-based): chr14:94,383,187, G>A on the plus strand (C>T on the coding strand, the complement: SERPINA1 is on the minus strand). VCF-style: chr14-94383187-G-A. GRCh37 (hg19) VCF-style: chr14-94849524-G-A.
Other names: p.Cys17=; c.51C>T, p.Cys17= (NM_001002235.3, NM_001002236.3, NM_001127700.2 and 7 more transcripts).
Identifiers: ClinVar variation 501341 (VCV000501341.18), dbSNP rs143920236, ClinGen allele CA7327562.
Genomic context (GRCh38, chr14:94,383,187, plus strand): 5'-TGTATCTGTCTTCTGGGCAGCATCTCCCTGGGGATCCTCAGCCAGGGAGACAGGGACCAG[G>A]CAGCACAGGCCTGCCAGCAGGAGGATGCCCCACGAGACAGAAGACGGCATTGTCCTGCAA-3'
Protein context (NP_000286.3, residues 7-27): WGILLLAGLC[Cys17=]LVPVSLAEDP